The following is an entry in ClinVar:

NM_005026.5(PIK3CD):c.1483G>A (p.Gly495Arg)

Gene: PIK3CD (phosphatidylinositol-4,5-bisphosphate 3-kinase catalytic subunit delta; plus strand). Cytogenetic location: 1p36.22.
Variant type: single nucleotide variant.
Coding change: c.1483G>A on transcript NM_005026.5 (MANE Select); coding-DNA position 1483, G replaced by A.
Protein change: p.Gly495Arg; replaces glycine 495 with arginine.
Molecular consequence: missense variant.
Genome position (GRCh38, 1-based): chr1:9,720,623, G>A. VCF-style: chr1-9720623-G-A. GRCh37 (hg19) VCF-style: chr1-9780681-G-A.
Other names: c.1483G>A, p.Gly495Arg (NM_001350234.2); c.1396G>A, p.Gly466Arg (NM_001350235.1); short protein forms G466R, G495R.
Identifiers: ClinVar variation 1003258 (VCV001003258.9), dbSNP rs1342430054, ClinGen allele CA338303612.
Genomic context (GRCh38, chr1:9,720,623, plus strand): 5'-GGGCTGGTCCAGGCCCCTGGGGACGCTGAGTGCAGCCGTTTGTTGCAGATCTTGGAGCTG[G>A]GGCGACACAGCGAGTGTGTGCATGTCACCGAGGAGGAGGTGAGTGGGGTGGGGGTGTGGG-3'
Protein context (NP_005017.3, residues 485-505): YPALEKILEL[Gly495Arg]RHSECVHVTE

ClinVar aggregate classification (germline): Uncertain significance (1 of 4 stars; one submission).

Conditions:
Immunodeficiency 14 (IMD14A). Also called: ACTIVATED PI3K-DELTA SYNDROME 1; IMMUNODEFICIENCY 14A WITH LYMPHOPROLIFERATION, AUTOSOMAL DOMINANT; Activated PI3K Delta Syndrome Type 1 (APDS1); p110-DELTA-ACTIVATING MUTATION CAUSING SENESCENT T CELLS, LYMPHADENOPATHY, AND IMMUNODEFICIENCY. Identifiers: Orphanet 397596, Orphanet 693661, MedGen C5907821, MONDO:0014222, OMIM 615513.

Allele frequency attached by ClinVar (database versions not stated): TOPMed below 0.00001; gnomAD 0.00001; gnomAD exomes 0.00001.
gnomAD v4.1: 8 of 1,546,014 alleles (0.00052%); highest among the groups gnomAD compares: Admixed American, 0.002%; no homozygotes.

Submission:

Labcorp Genetics (formerly Invitae), Labcorp
Classification: Uncertain significance for Activated PI3K-delta syndrome. Last evaluated: 2020-02-19. Review status: criteria provided, single submitter. Criteria: Invitae Variant Classification Sherloc (09022015). Collection method: clinical testing. Allele origin: germline.
Comment: This sequence change replaces glycine with arginine at codon 495 of the PIK3CD protein (p.Gly495Arg). The glycine residue is moderately conserved and there is a moderate physicochemical difference between glycine and arginine. This variant is not present in population databases (ExAC no frequency). This variant has not been reported in the literature in individuals with PIK3CD-related conditions. Algorithms developed to predict the effect of missense changes on protein structure and function are either unavailable or do not agree on the potential impact of this missense change (SIFT: "Deleterious"; PolyPhen-2: "Possibly Damaging"; Align-GVGD: "Class C0"). In summary, the available evidence is currently insufficient to determine the role of this variant in disease. Therefore, it has been classified as a Variant of Uncertain Significance.